The following is an entry in ClinVar:

NM_001195427.2(SRSF2):c.42C>G (p.Thr14=)

Genes: MFSD11 (major facilitator superfamily domain containing 11; plus strand), SRSF2 (serine and arginine rich splicing factor 2; minus strand). Cytogenetic location: 17q25.1.
Variant type: single nucleotide variant.
Coding change: c.42C>G on transcript NM_001195427.2 (MANE Select); coding-DNA position 42, C replaced by G.
Protein change: p.Thr14=; no amino-acid change (threonine 14 retained).
Molecular consequence: synonymous variant. On other transcripts: non-coding transcript variant (1), intron variant (2).
Genome position (GRCh38, 1-based): chr17:76,737,119, G>C on the plus strand (C>G on the coding strand, the complement: SRSF2 is on the minus strand). VCF-style: chr17-76737119-G-C. GRCh37 (hg19) VCF-style: chr17-74733201-G-C.
Other names: c.42C>G, p.Thr14= (NM_003016.5); c.-72+28G>C (NM_001242534.3); c.-72+33G>C (NM_001353017.2).
Identifiers: ClinVar variation 4821335 (VCV004821335.4).

ClinVar aggregate classification (germline): Likely benign (1 of 4 stars; one submission).

gnomAD v4.1: 46 of 1,603,832 alleles (0.0029%); highest among the groups gnomAD compares: Admixed American, 0.078%; 1 homozygote.

Submission:

CeGaT Center for Human Genetics Tuebingen
Classification: Likely benign. Last evaluated: 2026-01-01. Review status: criteria provided, single submitter. Criteria: CeGaT Center For Human Genetics Tuebingen Variant Classification Criteria Version 2. Collection method: clinical testing. Allele origin: germline. Affected: yes. Observed: 1 variant allele.
Comment: SRSF2: BP4, BP7